The following is an entry in ClinVar:

NM_001429.4(EP300):c.5211C>T (p.Arg1737=)

Gene: EP300 (E1A binding protein p300; plus strand). Cytogenetic location: 22q13.2.
Variant type: single nucleotide variant.
Coding change: c.5211C>T on transcript NM_001429.4 (MANE Select); coding-DNA position 5211, C replaced by T.
Protein change: p.Arg1737=; no amino-acid change (arginine 1737 retained).
Molecular consequence: synonymous variant.
Genome position (GRCh38, 1-based): chr22:41,176,922, C>T. VCF-style: chr22-41176922-C-T. GRCh37 (hg19) VCF-style: chr22-41572926-C-T.
Other names: c.5133C>T, p.Arg1711= (NM_001362843.2).
Identifiers: ClinVar variation 3351481 (VCV003351481.1).
Genomic context (GRCh38, chr22:41,176,922, plus strand): 5'-CAACCAGCAGGCTGCAGCCACCCAGAGCCCAGGCGATTCTCGCCGCCTGAGTATCCAGCG[C>T]TGCATCCAGTCTCTGGTCCATGCTTGCCAGTGTCGGAATGCCAATTGCTCACTGCCATCC-3'
Protein context (NP_001420.2, residues 1727-1747): PGDSRRLSIQ[Arg1737=]CIQSLVHACQ

ClinVar aggregate classification (germline): Likely benign (0 of 4 stars; one submission).

Conditions:
EP300-related disorder. Also called: EP300-related disorders; EP300-related condition.

gnomAD v4.1: 3 of 1,614,188 alleles (0.00019%); highest among the groups gnomAD compares: Non-Finnish European, 0.00017%; no homozygotes.

Submission:

PreventionGenetics, part of Exact Sciences
Classification: Likely benign for EP300-related condition. Last evaluated: 2024-07-05. Review status: no assertion criteria provided. Collection method: clinical testing. Allele origin: germline.
Comment: This variant is classified as likely benign based on ACMG/AMP sequence variant interpretation guidelines (Richards et al. 2015 PMID: 25741868, with internal and published modifications).